The following is an entry in ClinVar:

NM_001606.5(ABCA2):c.1555-8A>G

Gene: ABCA2 (ATP binding cassette subfamily A member 2; minus strand). Cytogenetic location: 9q34.3.
Variant type: single nucleotide variant.
Coding change: c.1555-8A>G on transcript NM_001606.5 (MANE Select); 8 bases into the intron before coding-DNA position 1555, A replaced by G.
Molecular consequence: intron variant.
Genome position (GRCh38, 1-based): chr9:137,019,078, T>C on the plus strand (A>G on the coding strand, the complement: ABCA2 is on the minus strand). VCF-style: chr9-137019078-T-C. GRCh37 (hg19) VCF-style: chr9-139913530-T-C.
Other names: c.1645-8A>G (NM_212533.3); c.1552-8A>G (NM_001411042.1).
Identifiers: ClinVar variation 3771085 (VCV003771085.14).

ClinVar aggregate classification (germline): Conflicting classifications of pathogenicity. Review status: criteria provided, conflicting classifications (1 of 4 stars). 2 submissions from 2 submitters: Uncertain significance (1); Likely benign (1). Last evaluated 2025-01-01.

Conditions:
Intellectual developmental disorder with poor growth and with or without seizures or ataxia. Identifiers: MedGen C5394135, MONDO:0032930, OMIM 618808.

gnomAD v4.1: 182 of 1,604,982 alleles (0.011%); highest among the groups gnomAD compares: South Asian, 0.19%; 1 homozygote.

Submissions (2):

CeGaT Center for Human Genetics Tuebingen
Classification: Likely benign. Last evaluated: 2025-01-01. Review status: criteria provided, single submitter. Criteria: CeGaT Center For Human Genetics Tuebingen Variant Classification Criteria Version 2. Collection method: clinical testing. Allele origin: germline. Affected: yes. Observed: 1 variant allele.
Comment: ABCA2: BP4

Institute for Clinical Genetics, University Hospital TU Dresden, University Hospital TU Dresden
Classification: Uncertain significance for Intellectual developmental disorder with poor growth and with or without seizures or ataxia. Last evaluated: 2024-01-17. Review status: criteria provided, single submitter. Criteria: ACMG Guidelines, 2015. Collection method: clinical testing. Allele origin: germline. Affected: yes.
Comment: The variant in the ABCA2 gene (NM_001606.5:c.1555-8A>G, p.?) is a base exchange in the non-coding sequence of intron 11. Bioinformatic prediction algorithms for assessing a potential splicing effect (SpliceAI) estimate the variant to be insignificant, but this has not yet been confirmed by functional studies. This variant is not yet listed in the ClinVar database. In the gnomAD database of healthy individuals, this variant has been found in healthy individuals 182 times heterozygous and 1 time homozygous. According to current ACMG recommendations for variant evaluation (PMID 25741868), the BP4 criterion is fulfilled, resulting in an evaluation as a variant of unclear significance (ACMG class 3).